The following is an entry in ClinVar:

ClinVar aggregate classification (germline): Uncertain significance. Review status: criteria provided, multiple submitters, no conflicts (2 of 4 stars). 2 submissions from 2 submitters: Uncertain significance (2). Last evaluated 2024-01-12.

Conditions:
Inborn genetic diseases. Identifiers: MedGen C0950123, MeSH D030342.

Allele frequency attached by ClinVar (database versions not stated): gnomAD exomes 0.00002; gnomAD 0.00005; TOPMed 0.00006; ESP Exome Variant Server 0.00008; ExAC 0.00014.
gnomAD v4.1: 45 of 1,613,532 alleles (0.0028%); highest among the groups gnomAD compares: Non-Finnish European, 0.0031%; no homozygotes.

Submissions (2):

Labcorp Genetics (formerly Invitae), Labcorp
Classification: Uncertain significance. Last evaluated: 2024-01-12. Review status: criteria provided, single submitter. Criteria: Invitae Variant Classification Sherloc (09022015). Collection method: clinical testing. Allele origin: germline.
Comment: This sequence change replaces histidine, which is basic and polar, with aspartic acid, which is acidic and polar, at codon 1181 of the FN1 protein (p.His1181Asp). This variant is present in population databases (rs147979114, gnomAD 0.01%), and has an allele count higher than expected for a pathogenic variant. This variant has not been reported in the literature in individuals affected with FN1-related conditions. ClinVar contains an entry for this variant (Variation ID: 2395483). Advanced modeling of protein sequence and biophysical properties (such as structural, functional, and spatial information, amino acid conservation, physicochemical variation, residue mobility, and thermodynamic stability) performed at Invitae indicates that this missense variant is not expected to disrupt FN1 protein function with a negative predictive value of 80%. In summary, the available evidence is currently insufficient to determine the role of this variant in disease. Therefore, it has been classified as a Variant of Uncertain Significance.

Ambry Genetics
Classification: Uncertain significance for Inborn genetic diseases. Last evaluated: 2022-02-02. Review status: criteria provided, single submitter. Criteria: Ambry Variant Classification Scheme 2023. Collection method: clinical testing. Allele origin: germline.

NM_212482.4(FN1):c.3541C>G (p.His1181Asp)

Gene: FN1 (fibronectin 1; minus strand). Cytogenetic location: 2q35.
Variant type: single nucleotide variant.
Coding change: c.3541C>G on transcript NM_212482.4 (MANE Select); coding-DNA position 3541, C replaced by G.
Protein change: p.His1181Asp; replaces histidine 1181 with aspartic acid.
Molecular consequence: missense variant.
Genome position (GRCh38, 1-based): chr2:215,397,200, G>C on the plus strand (C>G on the coding strand, the complement: FN1 is on the minus strand). VCF-style: chr2-215397200-G-C. GRCh37 (hg19) VCF-style: chr2-216261923-G-C.
Other names: c.3541C>G, p.His1181Asp (NM_001306129.2, NM_001306130.2, NM_001306131.2 and 13 more transcripts); short protein forms H1181D.
Identifiers: ClinVar variation 2395483 (VCV002395483.5), dbSNP rs147979114, ClinGen allele CA2094681.